The following is an entry in ClinVar:

NM_018972.4(GDAP1):c.23A>G (p.Gln8Arg)

Genes: GDAP1 (ganglioside induced differentiation associated protein 1; plus strand), LOC130000622 (ATAC-STARR-seq lymphoblastoid active region 27542; plus strand). Cytogenetic location: 8q21.11.
Variant type: single nucleotide variant.
Coding change: c.23A>G on transcript NM_018972.4 (MANE Select); coding-DNA position 23, A replaced by G.
Protein change: p.Gln8Arg; replaces glutamine 8 with arginine.
Molecular consequence: missense variant. On other transcripts: 5 prime UTR variant (2), intron variant (1).
Genome position (GRCh38, 1-based): chr8:74,350,484, A>G. VCF-style: chr8-74350484-A-G. GRCh37 (hg19) VCF-style: chr8-75262719-A-G.
Other names: c.-160A>G (NM_001362929.2); c.23A>G, p.Gln8Arg (NM_001362930.2, NM_001362931.2); c.-112A>G (NM_001362932.2); c.-64+12A>G (NM_001040875.4); short protein forms Q8R.
Identifiers: ClinVar variation 245605 (VCV000245605.11), dbSNP rs879253884, ClinGen allele CA10584292.

ClinVar aggregate classification (germline): Uncertain significance. Review status: criteria provided, multiple submitters, no conflicts (2 of 4 stars). 3 submissions from 3 submitters: Uncertain significance (3). Last evaluated 2026-07-03.

Conditions:
Inborn genetic diseases. Identifiers: MedGen C0950123, MeSH D030342.
Charcot-Marie-Tooth disease type 4A. Also called: Charcot-Marie-Tooth disease, demyelinating, autosomal recessive, type 4a. Identifiers: Orphanet 99948, MedGen C1859198, MONDO:0008961, OMIM 214400.

Allele frequency attached by ClinVar (database versions not stated): gnomAD exomes below 0.00001; TOPMed below 0.00001.
gnomAD v4.1: 2 of 1,612,254 alleles (0.00012%); highest among the groups gnomAD compares: Non-Finnish European, 0.00017%; no homozygotes.

Submissions (3):

Ambry Genetics
Classification: Uncertain significance for Inborn genetic diseases. Last evaluated: 2026-07-03. Review status: criteria provided, single submitter. Criteria: Ambry Variant Classification Scheme 2023. Collection method: clinical testing. Allele origin: germline.

Labcorp Genetics (formerly Invitae), Labcorp
Classification: Uncertain significance for Charcot-Marie-Tooth disease type 4A. Last evaluated: 2021-01-08. Review status: criteria provided, single submitter. Criteria: Invitae Variant Classification Sherloc (09022015). Collection method: clinical testing. Allele origin: germline.
Comment: In summary, the available evidence is currently insufficient to determine the role of this variant in disease. Therefore, it has been classified as a Variant of Uncertain Significance. Advanced modeling of protein sequence and biophysical properties (such as structural, functional, and spatial information, amino acid conservation, physicochemical variation, residue mobility, and thermodynamic stability) performed at Invitae indicates that this missense variant is not expected to disrupt GDAP1 protein function. This variant has not been reported in the literature in individuals with GDAP1-related conditions. ClinVar contains an entry for this variant (Variation ID: 245605). This variant is not present in population databases (ExAC no frequency). This sequence change replaces glutamine with arginine at codon 8 of the GDAP1 protein (p.Gln8Arg). The glutamine residue is weakly conserved and there is a small physicochemical difference between glutamine and arginine.

GeneDx
Classification: Uncertain significance. Last evaluated: 2015-07-16. Review status: criteria provided, single submitter. Criteria: GeneDx Variant Classification (06012015). Collection method: clinical testing. Allele origin: germline. Affected: yes.
Comment: The Q8R variant has not been published as a mutation, nor has it been reported as a benign polymorphism to our knowledge. It was not observed in approximately 6,500 individuals of European and African American ancestry in the NHLBI Exome Sequencing Project, indicating it is not a common benign variant in these populations. The Q8R variant is a semi-conservative amino acid substitution, which may impact secondary protein structure as these residues differ in some properties. However, this substitution occurs at a position that is not conserved across species, and in silico analysis predicts the Q8R variant likely does not alter the protein structure/function. Therefore, based on the currently available information, it is unclear whether this variant is a pathogenic mutation or a rare benign variant.